The following is an entry in ClinVar:

NM_001164508.2(NEB):c.13175G>A (p.Arg4392His)

Gene: NEB (nebulin; minus strand). Cytogenetic location: 2q23.3.
Variant type: single nucleotide variant.
Coding change: c.13175G>A on transcript NM_001164508.2 (MANE Select); coding-DNA position 13175, G replaced by A.
Protein change: p.Arg4392His; replaces arginine 4392 with histidine.
Molecular consequence: missense variant. On other transcripts: intron variant (1).
Genome position (GRCh38, 1-based): chr2:151,603,657, C>T on the plus strand (G>A on the coding strand, the complement: NEB is on the minus strand). VCF-style: chr2-151603657-C-T. GRCh37 (hg19) VCF-style: chr2-152460171-C-T.
Other names: c.13175G>A, p.Arg4392His (NM_001164507.2, NM_001271208.2); c.11601+6152G>A (NM_004543.5); short protein forms R4392H.
Identifiers: ClinVar variation 465473 (VCV000465473.10), dbSNP rs772352938, ClinGen allele CA1908498.
Genomic context (GRCh38, chr2:151,603,657, plus strand): 5'-GCCTGGATTACTTCCGGGGTGTCAACAATGCTGGTGAATTTGAGGGCCTCAGGCTTTATA[C>T]GATACAGCCTTTCATTCAAGAGATTCTGGGCATTCTTCACTCTCATCACTTCCACAGAAC-3'
Protein context (NP_001157980.2, residues 4382-4402): AQNLLNERLY[Arg4392His]IKPEALKFTS

ClinVar aggregate classification (germline): Conflicting classifications of pathogenicity. Review status: criteria provided, conflicting classifications (1 of 4 stars). 7 submissions from 7 submitters: Uncertain significance (3); Likely benign (1). 3 of the submissions do not count toward it. Last evaluated 2025-08-12.

Conditions:
Nemaline myopathy 2 (NEM2). Also called: Nemaline myopathy 2, autosomal recessive. Identifiers: MedGen C1850569, MONDO:0009725, OMIM 256030.

Allele frequency attached by ClinVar (database versions not stated): gnomAD 0.00038; 1000 Genomes Project 30x 0.00031; ExAC 0.00038.

Submissions (7):

Athena Diagnostics
Classification: Uncertain significance. Last evaluated: 2025-08-12. Review status: criteria provided, single submitter. Criteria: Athena Diagnostics Criteria. Collection method: clinical testing. Allele origin: unknown.
Comment: Available data are insufficient to determine the clinical significance of the variant at this time. The frequency of this variant in the general population is uninformative in assessment of its pathogenicity. Polyphen and MutationTaster yielded discordant predictions regarding whether this amino acid change is damaging to the protein.

Blueprint Genetics
Classification: Uncertain significance. Last evaluated: 2024-11-11. Review status: criteria provided, single submitter. Criteria: ACMG Guidelines, 2015. Collection method: clinical testing. Allele origin: germline.

GeneDx
Classification: Likely benign. Last evaluated: 2021-06-18. Review status: criteria provided, single submitter. Criteria: GeneDx Variant Classification Process June 2021. Collection method: clinical testing. Allele origin: germline. Affected: yes.

Labcorp Genetics (formerly Invitae), Labcorp
Classification: Uncertain significance for Nemaline myopathy 2. Last evaluated: 2018-01-06. Review status: criteria provided, single submitter. Criteria: Invitae Variant Classification Sherloc (09022015). Collection method: clinical testing. Allele origin: germline.

Natera, Inc.
Classification: Uncertain significance for Nemaline myopathy type 2. Last evaluated: 2019-11-11. Review status: no assertion criteria provided. Collection method: clinical testing. Allele origin: germline. Not counted in ClinVar's aggregate classification.

Genome Diagnostics Laboratory, University Medical Center Utrecht
Classification: Likely benign. Review status: no assertion criteria provided. Collection method: clinical testing. Allele origin: germline. Affected: yes. Study: VKGL Data-share Consensus. Not counted in ClinVar's aggregate classification.

Laboratory of Diagnostic Genome Analysis, Leiden University Medical Center (LUMC)
Classification: Likely benign. Review status: no assertion criteria provided. Collection method: clinical testing. Allele origin: germline. Affected: yes. Study: VKGL Data-share Consensus. Not counted in ClinVar's aggregate classification.